The following is an entry in ClinVar:

ClinVar aggregate classification (germline): Uncertain significance (1 of 4 stars; one submission).

Conditions:
Renal cell carcinoma. Identifiers: Orphanet 217071, MedGen C0007134, MeSH D002292, MONDO:0005086, HP:0005584.

gnomAD v4.1: 1 of 1,614,126 alleles (0.000062%); highest among the groups gnomAD compares: Non-Finnish European, 0.000085%; no homozygotes.

Submission:

Labcorp Genetics (formerly Invitae), Labcorp
Classification: Uncertain significance for Renal cell carcinoma. Last evaluated: 2023-02-01. Review status: criteria provided, single submitter. Criteria: Invitae Variant Classification Sherloc (09022015). Collection method: clinical testing. Allele origin: germline.
Comment: This sequence change replaces aspartic acid, which is acidic and polar, with histidine, which is basic and polar, at codon 1057 of the MET protein (p.Asp1057His). This variant is not present in population databases (gnomAD no frequency). This variant has not been reported in the literature in individuals affected with MET-related conditions. Algorithms developed to predict the effect of missense changes on protein structure and function are either unavailable or do not agree on the potential impact of this missense change (SIFT: "Deleterious"; PolyPhen-2: "Probably Damaging"; Align-GVGD: "Class C0"). In summary, the available evidence is currently insufficient to determine the role of this variant in disease. Therefore, it has been classified as a Variant of Uncertain Significance.

NM_000245.4(MET):c.3115G>C (p.Asp1039His)

Gene: MET (MET proto-oncogene, receptor tyrosine kinase; plus strand). Cytogenetic location: 7q31.2.
Variant type: single nucleotide variant.
Coding change: c.3115G>C on transcript NM_000245.4 (MANE Select); coding-DNA position 3115, G replaced by C.
Protein change: p.Asp1039His; replaces aspartic acid 1039 with histidine.
Molecular consequence: missense variant.
Genome position (GRCh38, 1-based): chr7:116,774,967, G>C. VCF-style: chr7-116774967-G-C. GRCh37 (hg19) VCF-style: chr7-116415021-G-C.
Other names: c.3169G>C, p.Asp1057His (NM_001127500.3); c.1825G>C, p.Asp609His (NM_001324402.2); short protein forms D1039H, D1057H, D609H.
Identifiers: ClinVar variation 2833406 (VCV002833406.3), dbSNP rs777748634, ClinGen allele CA368988166.